The following is an entry in ClinVar:

NM_017636.4(TRPM4):c.970G>T (p.Gly324Trp)

Gene: TRPM4 (transient receptor potential cation channel subfamily M member 4; plus strand). Cytogenetic location: 19q13.33.
Variant type: single nucleotide variant.
Coding change: c.970G>T on transcript NM_017636.4 (MANE Select); coding-DNA position 970, G replaced by T.
Protein change: p.Gly324Trp; replaces glycine 324 with tryptophan.
Molecular consequence: missense variant. On other transcripts: 5 prime UTR variant (1).
Genome position (GRCh38, 1-based): chr19:49,171,689, G>T. VCF-style: chr19-49171689-G-T. GRCh37 (hg19) VCF-style: chr19-49674946-G-T.
Other names: c.121G>T, p.Gly41Trp (NM_001321285.2); c.448G>T, p.Gly150Trp (NM_001321283.2); c.-584G>T (NM_001321282.2); c.625G>T, p.Gly209Trp (NM_001321281.2); c.970G>T, p.Gly324Trp (NM_001195227.2); short protein forms G324W, G41W, G150W, G209W.
Identifiers: ClinVar variation 661775 (VCV000661775.12), dbSNP rs548064960, ClinGen allele CA9569024.
Genomic context (GRCh38, chr19:49,171,689, plus strand): 5'-TCAGGGGGAGCTGCGGACTGCCTGGCGGAGACCCTGGAAGACACTCTGGCCCCAGGGAGT[G>T]GGGGAGCCAGGCAAGGCGAAGCCCGAGATCGAATCAGGCGTTTCTTTCCCAAAGGGGACC-3'
Protein context (NP_060106.2, residues 314-334): TLEDTLAPGS[Gly324Trp]GARQGEARDR

ClinVar aggregate classification (germline): Uncertain significance. Review status: criteria provided, multiple submitters, no conflicts (2 of 4 stars). 3 submissions from 3 submitters: Uncertain significance (3). Last evaluated 2025-12-16.

Conditions:
Cardiovascular phenotype. Identifiers: MedGen CN230736.
Progressive familial heart block type IB (PFHB1B). Identifiers: Orphanet 871, MedGen C1970298, MONDO:0011474, OMIM 604559.

Allele frequency attached by ClinVar (database versions not stated): ExAC 0.00001; gnomAD exomes 0.00001.
gnomAD v4.1: 11 of 1,614,006 alleles (0.00068%); highest among the groups gnomAD compares: South Asian, 0.0011%; no homozygotes.

Submissions (3):

GeneDx
Classification: Uncertain significance. Last evaluated: 2025-12-16. Review status: criteria provided, single submitter. Criteria: GeneDx Variant Classification Process June 2021. Collection method: clinical testing. Allele origin: germline.
Comment: Not observed at significant frequency in large population cohorts (gnomAD); In silico analysis suggests that this missense variant does not alter protein structure/function; Has not been previously published as pathogenic or benign to our knowledge

Labcorp Genetics (formerly Invitae), Labcorp
Classification: Uncertain significance for Progressive familial heart block type IB. Last evaluated: 2024-08-21. Review status: criteria provided, single submitter. Criteria: Invitae Variant Classification Sherloc (09022015). Collection method: clinical testing. Allele origin: germline.
Comment: This sequence change replaces glycine, which is neutral and non-polar, with tryptophan, which is neutral and slightly polar, at codon 324 of the TRPM4 protein (p.Gly324Trp). This variant is present in population databases (rs548064960, gnomAD 0.003%). This variant has not been reported in the literature in individuals affected with TRPM4-related conditions. ClinVar contains an entry for this variant (Variation ID: 661775). An algorithm developed to predict the effect of missense changes on protein structure and function (PolyPhen-2) suggests that this variant is likely to be disruptive. In summary, the available evidence is currently insufficient to determine the role of this variant in disease. Therefore, it has been classified as a Variant of Uncertain Significance.

Ambry Genetics
Classification: Uncertain significance for Cardiovascular phenotype. Last evaluated: 2021-08-26. Review status: criteria provided, single submitter. Criteria: Ambry Variant Classification Scheme 2023. Collection method: clinical testing. Allele origin: germline.
Comment: The p.G324W variant (also known as c.970G>T), located in coding exon 8 of the TRPM4 gene, results from a G to T substitution at nucleotide position 970. The glycine at codon 324 is replaced by tryptophan, an amino acid with highly dissimilar properties. This amino acid position is conserved. In addition, this alteration is predicted to be tolerated by in silico analysis. Since supporting evidence is limited at this time, the clinical significance of this alteration remains unclear.